The following is an entry in ClinVar:

ClinVar aggregate classification (germline): Likely benign. Review status: criteria provided, multiple submitters, no conflicts (2 of 4 stars). 2 submissions from 2 submitters: Likely benign (2). Last evaluated 2024-12-01.

Conditions:
Hereditary sensory neuropathy-deafness-dementia syndrome. Also called: Hereditary Sensory and Autonomic Neuropathy Type 1E (HSAN1E); Hereditary sensory neuropathy type IE; HSN IE; NEUROPATHY, HEREDITARY SENSORY, WITH HEARING LOSS AND DEMENTIA. Identifiers: Orphanet 456318, MedGen C3279885, MONDO:0013584, OMIM 614116.

Allele frequency attached by ClinVar (database versions not stated): TOPMed 0.00001.
gnomAD v4.1: 20 of 1,613,720 alleles (0.0012%); highest among the groups gnomAD compares: Middle Eastern, 0.033%; no homozygotes.

Submissions (2):

CeGaT Center for Human Genetics Tuebingen
Classification: Likely benign. Last evaluated: 2024-12-01. Review status: criteria provided, single submitter. Criteria: CeGaT Center For Human Genetics Tuebingen Variant Classification Criteria Version 2. Collection method: clinical testing. Allele origin: germline. Affected: yes. Observed: 1 variant allele.
Comment: DNMT1: BP4, BP7

Labcorp Genetics (formerly Invitae), Labcorp
Classification: Likely benign for Hereditary sensory neuropathy-deafness-dementia syndrome. Last evaluated: 2022-07-19. Review status: criteria provided, single submitter. Criteria: Invitae Variant Classification Sherloc (09022015). Collection method: clinical testing. Allele origin: germline.

NM_001130823.3(DNMT1):c.3909G>A (p.Leu1303=)

Gene: DNMT1 (DNA methyltransferase 1; minus strand). Cytogenetic location: 19p13.2.
Variant type: single nucleotide variant.
Coding change: c.3909G>A on transcript NM_001130823.3 (MANE Select); coding-DNA position 3909, G replaced by A.
Protein change: p.Leu1303=; no amino-acid change (leucine 1303 retained).
Molecular consequence: synonymous variant.
Genome position (GRCh38, 1-based): chr19:10,139,715, C>T on the plus strand (G>A on the coding strand, the complement: DNMT1 is on the minus strand). VCF-style: chr19-10139715-C-T. GRCh37 (hg19) VCF-style: chr19-10250391-C-T.
Other names: c.3909G>A (LRG_362t1); c.3861G>A, p.Leu1287= (NM_001318730.2, NM_001379.4); c.3546G>A, p.Leu1182= (NM_001318731.2).
Identifiers: ClinVar variation 566029 (VCV000566029.21), dbSNP rs758806907, ClinGen allele CA9187649.